The following is an entry in ClinVar:

ClinVar aggregate classification (germline): Benign/Likely benign. Review status: criteria provided, multiple submitters, no conflicts (2 of 4 stars). 5 submissions from 5 submitters: Benign (4); Likely benign (1). Last evaluated 2026-04-01.

Conditions:
Combined immunodeficiency due to DOCK8 deficiency (HIES2). Also called: HYPER-IgE RECURRENT INFECTION SYNDROME 2, AUTOSOMAL RECESSIVE; HIES autosomal recessive; HYPER-IgE SYNDROME 2, AUTOSOMAL RECESSIVE, WITH RECURRENT INFECTIONS; DOCK8 Deficiency; Hyper-IgE recurrent infection syndrome, autosomal recessive. Identifiers: Orphanet 217390, MedGen C4722305, MONDO:0009478, OMIM 243700.

Allele frequency attached by ClinVar (database versions not stated): gnomAD 0.00280 and 0.00301; TOPMed 0.00300; 1000 Genomes Project 30x 0.00250; 1000 Genomes Project 0.00260; ESP Exome Variant Server 0.00277.
gnomAD v4.1: 801 of 1,614,166 alleles (0.05%); highest among the groups gnomAD compares: African/African-American, 0.95%; 5 homozygotes.

Submissions (5):

CeGaT Center for Human Genetics Tuebingen
Classification: Likely benign. Last evaluated: 2026-04-01. Review status: criteria provided, single submitter. Criteria: CeGaT Center For Human Genetics Tuebingen Variant Classification Criteria Version 2. Collection method: clinical testing. Allele origin: germline. Affected: yes. Observed: 1 variant allele.
Comment: DOCK8: BP4, BP7

Labcorp Genetics (formerly Invitae), Labcorp
Classification: Benign for Combined immunodeficiency due to DOCK8 deficiency. Last evaluated: 2026-02-02. Review status: criteria provided, single submitter. Criteria: Invitae Variant Classification Sherloc (09022015). Collection method: clinical testing. Allele origin: germline.

Mayo Clinic Laboratories, Mayo Clinic
Classification: Benign. Last evaluated: 2025-06-06. Review status: criteria provided, single submitter. Criteria: ACMG Guidelines, 2015. Collection method: clinical testing. Allele origin: germline. Observed: 3 variant alleles.
Comment: BS1, BS2, BP4, BP7

Blueprint Genetics
Classification: Benign. Last evaluated: 2024-11-26. Review status: criteria provided, single submitter. Criteria: ACMG Guidelines, 2015. Collection method: clinical testing. Allele origin: germline.

GeneDx
Classification: Benign. Last evaluated: 2015-08-04. Review status: criteria provided, single submitter. Criteria: GeneDx Variant Classification (06012015). Collection method: clinical testing. Allele origin: germline. Affected: yes.
Comment: This variant is considered likely benign or benign based on one or more of the following criteria: it is a conservative change, it occurs at a poorly conserved position in the protein, it is predicted to be benign by multiple in silico algorithms, and/or has population frequency not consistent with disease.

NM_203447.4(DOCK8):c.1356G>A (p.Leu452=)

Gene: DOCK8 (dedicator of cytokinesis 8; plus strand). Cytogenetic location: 9p24.3.
Variant type: single nucleotide variant.
Coding change: c.1356G>A on transcript NM_203447.4 (MANE Select); coding-DNA position 1356, G replaced by A.
Protein change: p.Leu452=; no amino-acid change (leucine 452 retained).
Molecular consequence: synonymous variant.
Genome position (GRCh38, 1-based): chr9:336,652, G>A. VCF-style: chr9-336652-G-A. GRCh37 (hg19) VCF-style: chr9-336652-G-A.
Other names: p.Leu452=; c.1152G>A, p.Leu384= (NM_001190458.2, NM_001193536.2).
Identifiers: ClinVar variation 377795 (VCV000377795.16), dbSNP rs113175936, ClinGen allele CA4957700.
Genomic context (GRCh38, chr9:336,652, plus strand): 5'-AGTGGGTGAACGGAGGACATTGGCCCAATCTAGAAGGCTTTCTGAAAGAGCCCTCTCCTT[G>A]GAGGAAAATGGGGTTGGATCCAACTTCAAAACCTCCACTCTGAGCGTTAGCAGCTTTTTC-3'
Protein context (NP_982272.2, residues 442-462): SRRLSERALS[Leu452=]EENGVGSNFK